The following is an entry in ClinVar:

ClinVar aggregate classification (germline): Pathogenic (1 of 4 stars; one submission).

Conditions:
Pontocerebellar hypoplasia type 1A (PCH1A). Also called: PONTOCEREBELLAR HYPOPLASIA WITH ANTERIOR HORN CELL DISEASE; PONTOCEREBELLAR HYPOPLASIA WITH INFANTILE SPINAL MUSCULAR ATROPHY. Identifiers: Orphanet 2254, Orphanet 88616, MedGen C1843504, MONDO:0011866, OMIM 607596.

Submission:

Labcorp Genetics (formerly Invitae), Labcorp
Classification: Pathogenic for Pontocerebellar hypoplasia type 1A. Last evaluated: 2021-04-04. Review status: criteria provided, single submitter. Criteria: Invitae Variant Classification Sherloc (09022015). Collection method: clinical testing. Allele origin: germline.
Comment: This variant has not been reported in the literature in individuals with VRK1-related conditions. This variant is not present in population databases (ExAC no frequency). This sequence change creates a premature translational stop signal (p.Lys35Glyfs*20) in the VRK1 gene. It is expected to result in an absent or disrupted protein product. Loss-of-function variants in VRK1 are known to be pathogenic (PMID: 19646678, 24126608, 27281532). For these reasons, this variant has been classified as Pathogenic.

Literature cited by the submitters: PubMed 19646678; PubMed 24126608; PubMed 27281532.

NM_003384.3(VRK1):c.103_104del (p.Lys35fs)

Gene: VRK1 (VRK serine/threonine kinase 1; plus strand). Cytogenetic location: 14q32.2.
Variant type: Deletion.
Coding change: c.103_104del on transcript NM_003384.3 (MANE Select); coding-DNA positions 103 to 104, 2 bases deleted (AA; older notation c.103_104delAA).
Protein change: p.Lys35fs; shifts the reading frame from lysine 35.
Molecular consequence: frameshift variant.
Genome position (GRCh38, 1-based): chr14:96,833,574-96,833,575, AA deleted; deleting any 2 consecutive bases within chr14:96,833,570-96,833,575 gives the same sequence; the c. name uses the placement nearest the transcript's 3' end. VCF-style (leftmost placement, unchanged base first): chr14-96833569-CAA-C. GRCh37 (hg19) VCF-style: chr14-97299906-CAA-C.
Other names: short protein forms K35fs.
Identifiers: ClinVar variation 1459674 (VCV001459674.7), dbSNP rs2139748811, ClinGen allele CA2573150441.